The following is an entry in ClinVar:

ClinVar aggregate classification (germline): Likely benign (1 of 4 stars; one submission).

Submission:

CeGaT Center for Human Genetics Tuebingen
Classification: Likely benign. Last evaluated: 2024-10-01. Review status: criteria provided, single submitter. Criteria: CeGaT Center For Human Genetics Tuebingen Variant Classification Criteria Version 2. Collection method: clinical testing. Allele origin: germline. Affected: yes. Observed: 1 variant allele.
Comment: FAM135B: PM2:Supporting, BP4, BP7

NM_015912.4(FAM135B):c.3066G>A (p.Leu1022=)

Gene: FAM135B (family with sequence similarity 135 member B; minus strand). Cytogenetic location: 8q24.23.
Variant type: single nucleotide variant.
Coding change: c.3066G>A on transcript NM_015912.4 (MANE Select); coding-DNA position 3066, G replaced by A.
Protein change: p.Leu1022=; no amino-acid change (leucine 1022 retained).
Molecular consequence: synonymous variant.
Genome position (GRCh38, 1-based): chr8:138,151,409, C>T on the plus strand (G>A on the coding strand, the complement: FAM135B is on the minus strand). VCF-style: chr8-138151409-C-T. GRCh37 (hg19) VCF-style: chr8-139163652-C-T.
Other names: c.3066G>A, p.Leu1022= (NM_001362965.2).
Identifiers: ClinVar variation 3389937 (VCV003389937.14).